The following is an entry in ClinVar:

NM_005219.5(DIAPH1):c.1955C>T (p.Pro652Leu)

Gene: DIAPH1 (diaphanous related formin 1; minus strand). Cytogenetic location: 5q31.3.
Variant type: single nucleotide variant.
Coding change: c.1955C>T on transcript NM_005219.5 (MANE Select); coding-DNA position 1955, C replaced by T.
Protein change: p.Pro652Leu; replaces proline 652 with leucine.
Molecular consequence: missense variant.
Genome position (GRCh38, 1-based): chr5:141,573,895, G>A on the plus strand (C>T on the coding strand, the complement: DIAPH1 is on the minus strand). VCF-style: chr5-141573895-G-A. GRCh37 (hg19) VCF-style: chr5-140953462-G-A.
Other names: c.1928C>T, p.Pro643Leu (NM_001079812.3); c.1955C>T, p.Pro652Leu (NM_001314007.2); short protein forms P643L, P652L.
Identifiers: ClinVar variation 1958386 (VCV001958386.5), dbSNP rs1410529153, ClinGen allele CA361519722.

ClinVar aggregate classification (germline): Uncertain significance (1 of 4 stars; one submission).

Conditions:
Progressive microcephaly-seizures-cortical blindness-developmental delay syndrome. Also called: Seizures, cortical blindness, and microcephaly syndrome. Identifiers: Orphanet 477814, MedGen C5567650, MONDO:0014714, OMIM 616632.
Autosomal dominant nonsyndromic hearing loss 1. Also called: DEAFNESS, AUTOSOMAL DOMINANT 1, WITH OR WITHOUT THROMBOCYTOPENIA; KONIGSMARK SYNDROME. Identifiers: Orphanet 90635, MedGen C1852282, MONDO:0007424, OMIM 124900.

Allele frequency attached by ClinVar (database versions not stated): gnomAD exomes below 0.00001.
gnomAD v4.1: 2 of 1,547,858 alleles (0.00013%); highest among the groups gnomAD compares: Admixed American, 0.002%; no homozygotes.

Submission:

Labcorp Genetics (formerly Invitae), Labcorp
Classification: Uncertain significance for Progressive microcephaly-seizures-cortical blindness-developmental delay syndrome; Autosomal dominant nonsyndromic hearing loss 1. Last evaluated: 2022-08-15. Review status: criteria provided, single submitter. Criteria: Invitae Variant Classification Sherloc (09022015). Collection method: clinical testing. Allele origin: germline.
Comment: In summary, the available evidence is currently insufficient to determine the role of this variant in disease. Therefore, it has been classified as a Variant of Uncertain Significance. Algorithms developed to predict the effect of missense changes on protein structure and function output the following: SIFT: "Deleterious"; PolyPhen-2: "Not Available"; Align-GVGD: "Class C0". The leucine amino acid residue is found in multiple mammalian species, which suggests that this missense change does not adversely affect protein function. This variant has not been reported in the literature in individuals affected with DIAPH1-related conditions. This variant is present in population databases (no rsID available, gnomAD 0.004%). This sequence change replaces proline, which is neutral and non-polar, with leucine, which is neutral and non-polar, at codon 652 of the DIAPH1 protein (p.Pro652Leu).